The following is an entry in ClinVar:

ClinVar aggregate classification (germline): Pathogenic (1 of 4 stars; one submission).

Conditions:
Dyskeratosis congenita. Identifiers: Orphanet 1775, MedGen C0265965, MONDO:0015780.

Submission:

Labcorp Genetics (formerly Invitae), Labcorp
Classification: Pathogenic for Dyskeratosis congenita. Last evaluated: 2021-12-30. Review status: criteria provided, single submitter. Criteria: Invitae Variant Classification Sherloc (09022015). Collection method: clinical testing. Allele origin: germline.
Comment: For these reasons, this variant has been classified as Pathogenic. Algorithms developed to predict the effect of sequence changes on RNA splicing suggest that this variant may disrupt the consensus splice site. This variant has not been reported in the literature in individuals affected with CTC1-related conditions. This variant is not present in population databases (gnomAD no frequency). This sequence change creates a premature translational stop signal (p.Ala605Glyfs*12) in the CTC1 gene. It is expected to result in an absent or disrupted protein product. Loss-of-function variants in CTC1 are known to be pathogenic (PMID: 22267198, 22387016).

Literature cited by the submitters: PubMed 22267198; PubMed 22387016.

NM_025099.6(CTC1):c.1814_1818del (p.Ala605fs)

Gene: CTC1 (CST telomere replication complex component 1; minus strand). Cytogenetic location: 17p13.1.
Variant type: Microsatellite.
Coding change: c.1814_1818del on transcript NM_025099.6 (MANE Select); coding-DNA positions 1814 to 1818, 5 bases deleted (CCCAG; older notation c.1814_1818delCCCAG).
Protein change: p.Ala605fs; shifts the reading frame from alanine 605.
Molecular consequence: frameshift variant. On other transcripts: non-coding transcript variant (1).
Genome position (GRCh38, 1-based): chr17:8,234,455-8,234,459, CTGGG deleted on the plus strand (CCCAG on the coding strand, the reverse complement: CTC1 is on the minus strand); deleting any 5 consecutive bases within chr17:8,234,455-8,234,465 gives the same sequence; the c. name uses the placement nearest the transcript's 3' end. VCF-style (leftmost placement, unchanged base first): chr17-8234454-CCTGGG-C. GRCh37 (hg19) VCF-style: chr17-8137772-CCTGGG-C.
Other names: c.1808_1812GCCCA[1], p.Ala605Glyfs (NM_001411067.1); short protein forms A605fs.
Identifiers: ClinVar variation 2066906 (VCV002066906.4), dbSNP rs2507916875, ClinGen allele CA2580614004.